The following is an entry in ClinVar:

NM_005141.5(FGB):c.1330G>A (p.Gly444Ser)

Gene: FGB (fibrinogen beta chain; plus strand). Cytogenetic location: 4q31.3.
Variant type: single nucleotide variant.
Coding change: c.1330G>A on transcript NM_005141.5 (MANE Select); coding-DNA position 1330, G replaced by A.
Protein change: p.Gly444Ser; replaces glycine 444 with serine.
Molecular consequence: missense variant. On other transcripts: 3 prime UTR variant (1), intron variant (2).
Genome position (GRCh38, 1-based): chr4:154,570,504, G>A. VCF-style: chr4-154570504-G-A. GRCh37 (hg19) VCF-style: chr4-155491656-G-A.
Other names: c.1153G>A, p.Gly385Ser (NM_001184741.1); c.1198G>A, p.Gly400Ser (NM_001382759.1); c.1030G>A, p.Gly344Ser (NM_001382762.1); c.1321G>A, p.Gly441Ser (NM_001382763.1); c.*104G>A (NM_001382764.1); c.1306G>A, p.Gly436Ser (NM_001382765.1); c.1245-5G>A (NM_001382761.1); c.1245-113G>A (NM_001382760.1); short protein forms G344S, G385S, G400S, G436S, G441S, G444S.
Identifiers: ClinVar variation 2572127 (VCV002572127.1), dbSNP rs2530790742, ClinGen allele CA358516081.

ClinVar aggregate classification (germline): Uncertain significance (1 of 4 stars; one submission).

Conditions:
Familial dysfibrinogenemia. Also called: Dysfibrinogenemia, congenital. Identifiers: Orphanet 335, Orphanet 98881, MedGen C0272350, MONDO:0014452, OMIM 616004.

Allele frequency attached by ClinVar (database versions not stated): gnomAD exomes below 0.00001.

Submission:

ISTH-SSC Genomics in Thrombosis and Hemostasis, KU Leuven, Center for Molecular and Vascular Biology
Classification: Uncertain significance for Familial dysfibrinogenemia. Review status: criteria provided, single submitter. Criteria: ACMG Guidelines, 2015. Collection method: clinical testing. Allele origin: germline. Affected: yes. Observed: 1 compound heterozygote.
Comment: Submitted to the GoldVariant database by Kathleen Freson, Center for Molecular and Vascular Biology